The following is an entry in ClinVar:

ClinVar aggregate classification (germline): Uncertain significance. Review status: criteria provided, multiple submitters, no conflicts (2 of 4 stars). 2 submissions from 2 submitters: Uncertain significance (2). Last evaluated 2024-03-06.

Conditions:
Hereditary cancer-predisposing syndrome. Also called: Neoplastic Syndromes, Hereditary; Hereditary Cancer Syndrome; Hereditary neoplastic syndrome; Tumor predisposition. Identifiers: Orphanet 140162, MedGen C0027672, MeSH D009386, MONDO:0015356.

Submissions (2):

Ambry Genetics
Classification: Uncertain significance for Hereditary cancer-predisposing syndrome. Last evaluated: 2024-03-06. Review status: criteria provided, single submitter. Criteria: Ambry Variant Classification Scheme 2023. Collection method: clinical testing. Allele origin: germline.
Comment: The p.N395I variant (also known as c.1184A>T), located in coding exon 8 of the RAD50 gene, results from an A to T substitution at nucleotide position 1184. The asparagine at codon 395 is replaced by isoleucine, an amino acid with dissimilar properties. This amino acid position is conserved. In addition, this alteration is predicted to be tolerated by in silico analysis. Based on the available evidence, the clinical significance of this alteration remains unclear.

Labcorp Genetics (formerly Invitae), Labcorp
Classification: Uncertain significance for Hereditary cancer-predisposing syndrome. Last evaluated: 2023-09-15. Review status: criteria provided, single submitter. Criteria: Invitae Variant Classification Sherloc (09022015). Collection method: clinical testing. Allele origin: germline.
Comment: In summary, the available evidence is currently insufficient to determine the role of this variant in disease. Therefore, it has been classified as a Variant of Uncertain Significance. Advanced modeling of protein sequence and biophysical properties (such as structural, functional, and spatial information, amino acid conservation, physicochemical variation, residue mobility, and thermodynamic stability) performed at Invitae indicates that this missense variant is not expected to disrupt RAD50 protein function. This sequence change replaces asparagine, which is neutral and polar, with isoleucine, which is neutral and non-polar, at codon 395 of the RAD50 protein (p.Asn395Ile). This variant is not present in population databases (gnomAD no frequency). This variant has not been reported in the literature in individuals affected with RAD50-related conditions.

NM_005732.4(RAD50):c.1184A>T (p.Asn395Ile)

Gene: RAD50 (RAD50 double strand break repair protein; plus strand). Cytogenetic location: 5q31.1.
Variant type: single nucleotide variant.
Coding change: c.1184A>T on transcript NM_005732.4 (MANE Select); coding-DNA position 1184, A replaced by T.
Protein change: p.Asn395Ile; replaces asparagine 395 with isoleucine.
Molecular consequence: missense variant.
Genome position (GRCh38, 1-based): chr5:132,588,819, A>T. VCF-style: chr5-132588819-A-T. GRCh37 (hg19) VCF-style: chr5-131924511-A-T.
Other names: c.1184A>T (NM_005732.3); short protein forms N395I.
Identifiers: ClinVar variation 2760774 (VCV002760774.4), dbSNP rs1750644937, ClinGen allele CA360942829.